The following is an entry in ClinVar:

ClinVar aggregate classification (germline): Pathogenic (1 of 4 stars; one submission).

Conditions:
Hereditary cancer-predisposing syndrome. Also called: Hereditary Cancer Syndrome; Hereditary neoplastic syndrome; Neoplastic Syndromes, Hereditary; Tumor predisposition. Identifiers: Orphanet 140162, MedGen C0027672, MeSH D009386, MONDO:0015356.

Submission:

Ambry Genetics
Classification: Pathogenic for Hereditary cancer-predisposing syndrome. Last evaluated: 2021-08-03. Review status: criteria provided, single submitter. Criteria: Ambry Variant Classification Scheme 2023. Collection method: clinical testing. Allele origin: germline.
Comment: The p.Q342* pathogenic mutation (also known as c.1024C>T), located in coding exon 10 of the PMS2 gene, results from a C to T substitution at nucleotide position 1024. This changes the amino acid from a glutamine to a stop codon within coding exon 10. This alteration is expected to result in loss of function by premature protein truncation or nonsense-mediated mRNA decay. As such, this alteration is interpreted as a disease-causing mutation.

NM_000535.7(PMS2):c.1024C>T (p.Gln342Ter)

Gene: PMS2 (PMS1 homolog 2, mismatch repair system component; minus strand). Cytogenetic location: 7p22.1.
Variant type: single nucleotide variant.
Coding change: c.1024C>T on transcript NM_000535.7 (MANE Select); coding-DNA position 1024, C replaced by T.
Protein change: p.Gln342Ter; replaces glutamine 342 with a stop codon.
Molecular consequence: nonsense. On other transcripts: non-coding transcript variant (1), intron variant (2).
Genome position (GRCh38, 1-based): chr7:5,989,920, G>A on the plus strand (C>T on the coding strand, the complement: PMS2 is on the minus strand). VCF-style: chr7-5989920-G-A. GRCh37 (hg19) VCF-style: chr7-6029551-G-A.
Other names: c.619C>T, p.Gln207Ter (NM_001406908.1, NM_001406910.1, NM_001018040.1 and 17 more transcripts); c.511C>T, p.Gln171Ter (NM_001406904.1, NM_001406905.1); c.451C>T, p.Gln151Ter (NM_001406909.1, NM_001322013.2); c.253C>T, p.Gln85Ter (NM_001406911.1); c.706C>T, p.Gln236Ter (NM_001322007.2, NM_001322008.2, NM_001406876.1 and 2 more transcripts); c.91C>T, p.Gln31Ter (NM_001322011.2, NM_001322012.2); c.1024C>T, p.Gln342Ter (NM_001322014.2, NM_001406871.1, NM_001406872.1); c.715C>T, p.Gln239Ter (NM_001322015.2, NM_001406875.1, NM_001406877.1 and 5 more transcripts); and 9 more; short protein forms Q171*, Q220*, Q286*, Q31*, Q350*, Q404*, Q207*, Q230*.
Identifiers: ClinVar variation 1769083 (VCV001769083.2), dbSNP rs2128748540, ClinGen allele CA366742964.
Genomic context (GRCh38, chr7:5,989,920, plus strand): 5'-TTCCTATCAAAGAGGTCTTTAAAACTGCCAACAAAAGCTTTTCCTCTTGTAGCAAAATTT[G>A]CCTTTTATCTGGAGTAACATTGATATCAACGCATTCTAAGGCAAAAAAGAAAACATATTT-3'